The following is an entry in ClinVar:

NM_001364905.1(LRBA):c.4591T>G (p.Phe1531Val)

Gene: LRBA (LPS responsive beige-like anchor protein; minus strand). Cytogenetic location: 4q31.3.
Variant type: single nucleotide variant.
Coding change: c.4591T>G on transcript NM_001364905.1 (MANE Select); coding-DNA position 4591, T replaced by G.
Protein change: p.Phe1531Val; replaces phenylalanine 1531 with valine.
Molecular consequence: missense variant.
Genome position (GRCh38, 1-based): chr4:150,831,955, A>C on the plus strand (T>G on the coding strand, the complement: LRBA is on the minus strand). VCF-style: chr4-150831955-A-C. GRCh37 (hg19) VCF-style: chr4-151753107-A-C.
Other names: c.4591T>G, p.Phe1531Val (NM_006726.5, NM_001199282.3, NM_001367550.1); short protein forms F1531V.
Identifiers: ClinVar variation 540409 (VCV000540409.48), dbSNP rs114610541, ClinGen allele CA3102698.
Genomic context (GRCh38, chr4:150,831,955, plus strand): 5'-TGTCTCTGTACTTGGAGACCATAAGAACAGAGATAAAGTATACTACTGCCAAGGCTAAAA[A>C]TTGAGCTTGTTTGCTATCCTCCTGGGAAAAAAAATTAAAGGAGTTGATTATGTAACCATA-3'
Protein context (NP_001351834.1, residues 1521-1541): RDIEDSKQAQ[Phe1531Val]LALAVVYFIS

ClinVar aggregate classification (germline): Conflicting classifications of pathogenicity. Review status: criteria provided, conflicting classifications (1 of 4 stars). 7 submissions from 7 submitters: Uncertain significance (1); Benign (1); Likely benign (4). 1 of the submissions does not count toward it. Last evaluated 2026-04-01.

Conditions:
LRBA-related disorder. Also called: LRBA-related condition.
Inborn genetic diseases. Identifiers: MedGen C0950123, MeSH D030342.
Combined immunodeficiency due to LRBA deficiency. Also called: Common variable immunodeficiency 8, with autoimmunity. Identifiers: Orphanet 445018, MedGen C3553512, MONDO:0013863, OMIM 614700.

Allele frequency attached by ClinVar (database versions not stated): ExAC 0.00088; gnomAD exomes 0.00097; gnomAD 0.00130 and 0.00131; TOPMed 0.00156; 1000 Genomes Project 0.00180; 1000 Genomes Project 30x 0.00219; ESP Exome Variant Server 0.00062.
gnomAD v4.1: 2,388 of 1,532,294 alleles (0.16%); highest among the groups gnomAD compares: Admixed American, 0.33%; 4 homozygotes.

Submissions (7):

CeGaT Center for Human Genetics Tuebingen
Classification: Likely benign. Last evaluated: 2026-04-01. Review status: criteria provided, single submitter. Criteria: CeGaT Center For Human Genetics Tuebingen Variant Classification Criteria Version 2. Collection method: clinical testing. Allele origin: germline. Affected: yes. Observed: 3 variant alleles.
Comment: LRBA: BS2

Labcorp Genetics (formerly Invitae), Labcorp
Classification: Benign for Combined immunodeficiency due to LRBA deficiency. Last evaluated: 2026-01-29. Review status: criteria provided, single submitter. Criteria: Invitae Variant Classification Sherloc (09022015). Collection method: clinical testing. Allele origin: germline.

Mayo Clinic Laboratories, Mayo Clinic
Classification: Likely benign. Last evaluated: 2025-11-24. Review status: criteria provided, single submitter. Criteria: ACMG Guidelines, 2015. Collection method: clinical testing. Allele origin: germline. Observed: 3 variant alleles.
Comment: BS1

Ambry Genetics
Classification: Uncertain significance for Inborn genetic diseases. Last evaluated: 2025-02-08. Review status: criteria provided, single submitter. Criteria: Ambry Variant Classification Scheme 2023. Collection method: clinical testing. Allele origin: germline.

Blueprint Genetics
Classification: Likely benign. Last evaluated: 2024-11-19. Review status: criteria provided, single submitter. Criteria: ACMG Guidelines, 2015. Collection method: clinical testing. Allele origin: germline.

ARUP Laboratories, Molecular Genetics and Genomics, ARUP Laboratories
Classification: Likely benign for Combined immunodeficiency due to LRBA deficiency. Last evaluated: 2019-06-18. Review status: criteria provided, single submitter. Criteria: ARUP Molecular Germline Variant Investigation Process. Collection method: clinical testing. Allele origin: germline.

PreventionGenetics, part of Exact Sciences
Classification: Likely benign for LRBA-related condition. Last evaluated: 2023-11-07. Review status: no assertion criteria provided. Collection method: clinical testing. Allele origin: germline. Not counted in ClinVar's aggregate classification.
Comment: This variant is classified as likely benign based on ACMG/AMP sequence variant interpretation guidelines (Richards et al. 2015 PMID: 25741868, with internal and published modifications).